The following is an entry in ClinVar:

ClinVar aggregate classification (germline): Benign/Likely benign. Review status: criteria provided, multiple submitters, no conflicts (2 of 4 stars). 3 submissions from 3 submitters: Benign (1); Likely benign (2). Last evaluated 2025-01-19.

Conditions:
EGFR-related lung cancer (EGFR). Identifiers: MedGen CN130014.
Lung cancer. Also called: Malignant tumor of lung; Lung cancer, somatic. Identifiers: MedGen C0242379, MONDO:0008903, OMIM 211980.
Hereditary cancer-predisposing syndrome. Also called: Hereditary neoplastic syndrome; Tumor predisposition; Hereditary Cancer Syndrome; Neoplastic Syndromes, Hereditary. Identifiers: Orphanet 140162, MedGen C0027672, MeSH D009386, MONDO:0015356.

Submissions (3):

Ambry Genetics
Classification: Likely benign for Hereditary cancer-predisposing syndrome. Last evaluated: 2025-01-19. Review status: criteria provided, single submitter. Criteria: Ambry Variant Classification Scheme 2023. Collection method: clinical testing. Allele origin: germline.

Myriad Genetics, Inc.
Classification: Benign for Lung cancer. Last evaluated: 2024-10-16. Review status: criteria provided, single submitter. Criteria: Myriad Autosomal Dominant, Autosomal Recessive and X-Linked Classification Criteria (2023). Collection method: clinical testing. Allele origin: unknown.
Comment: This variant is considered benign. This variant is a silent/synonymous amino acid change and it is not expected to impact splicing.

Labcorp Genetics (formerly Invitae), Labcorp
Classification: Likely benign for EGFR-related lung cancer. Last evaluated: 2023-11-02. Review status: criteria provided, single submitter. Criteria: Invitae Variant Classification Sherloc (09022015). Collection method: clinical testing. Allele origin: germline.

NM_005228.5(EGFR):c.2229T>C (p.Ala743=)

Gene: EGFR (epidermal growth factor receptor; plus strand). Cytogenetic location: 7p11.2.
Variant type: single nucleotide variant.
Coding change: c.2229T>C on transcript NM_005228.5 (MANE Select); coding-DNA position 2229, T replaced by C.
Protein change: p.Ala743=; no amino-acid change (alanine 743 retained).
Molecular consequence: synonymous variant.
Genome position (GRCh38, 1-based): chr7:55,174,766, T>C. VCF-style: chr7-55174766-T-C. GRCh37 (hg19) VCF-style: chr7-55242459-T-C.
Other names: c.2094T>C, p.Ala698= (NM_001346897.2, NM_001346899.2); c.2229T>C, p.Ala743= (NM_001346898.2); c.2070T>C, p.Ala690= (NM_001346900.2); c.1428T>C, p.Ala476= (NM_001346941.2).
Identifiers: ClinVar variation 2128730 (VCV002128730.6), dbSNP rs1259479642, ClinGen allele CA454979401.